The following is an entry in ClinVar:

NM_005632.3(CAPN15):c.274G>A (p.Ala92Thr)

Gene: CAPN15 (calpain 15; plus strand). Cytogenetic location: 16p13.3.
Variant type: single nucleotide variant.
Coding change: c.274G>A on transcript NM_005632.3 (MANE Select); coding-DNA position 274, G replaced by A.
Protein change: p.Ala92Thr; replaces alanine 92 with threonine.
Molecular consequence: missense variant.
Genome position (GRCh38, 1-based): chr16:547,112, G>A. VCF-style: chr16-547112-G-A. GRCh37 (hg19) VCF-style: chr16-597112-G-A.
Other names: short protein forms A92T.
Identifiers: ClinVar variation 2254835 (VCV002254835.4), dbSNP rs773799955, ClinGen allele CA7778034.

ClinVar aggregate classification (germline): Likely benign. Review status: criteria provided, single submitter (1 of 4 stars). 2 submissions from 2 submitters: Likely benign (1). 1 of the submissions does not count toward it. Last evaluated 2022-06-10.

Conditions:
CAPN15-related disorder. Also called: CAPN15-related condition.

Allele frequency attached by ClinVar (database versions not stated): gnomAD 0.00025; gnomAD exomes 0.00029; TOPMed 0.00041; ExAC 0.00086.
gnomAD v4.1: 495 of 1,574,834 alleles (0.031%); highest among the groups gnomAD compares: Middle Eastern, 0.22%; 1 homozygote.

Submissions (2):

Ambry Genetics
Classification: Likely benign. Last evaluated: 2022-06-10. Review status: criteria provided, single submitter. Criteria: Ambry Variant Classification Scheme 2023. Collection method: clinical testing. Allele origin: germline.

PreventionGenetics, part of Exact Sciences
Classification: Likely benign for CAPN15-related condition. Last evaluated: 2022-04-18. Review status: no assertion criteria provided. Collection method: clinical testing. Allele origin: germline. Not counted in ClinVar's aggregate classification.
Comment: This variant is classified as likely benign based on ACMG/AMP sequence variant interpretation guidelines (Richards et al. 2015 PMID: 25741868, with internal and published modifications).